The following is an entry in ClinVar:

ClinVar aggregate classification (germline): Uncertain significance (1 of 4 stars; one submission).

Conditions:
CDH23-related disorder. Also called: CDH23-related condition; CDH23-related disorders.

Allele frequency attached by ClinVar (database versions not stated): TOPMed below 0.00001; gnomAD 0.00001.

Submission:

PreventionGenetics, part of Exact Sciences
Classification: Uncertain significance for CDH23-related condition. Last evaluated: 2023-03-13. Review status: criteria provided, single submitter. Criteria: ACMG Guidelines, 2015. Collection method: clinical testing. Allele origin: germline.
Comment: The CDH23 c.5902G>A variant is predicted to result in the amino acid substitution p.Val1968Met. To our knowledge, this variant has not been reported in the literature. This variant is reported in 0.011% of alleles in individuals of African descent in gnomAD. At this time, the clinical significance of this variant is uncertain due to the absence of conclusive functional and genetic evidence.

NM_022124.6(CDH23):c.5902G>A (p.Val1968Met)

Gene: CDH23 (cadherin related 23; plus strand). Cytogenetic location: 10q22.1.
Variant type: single nucleotide variant.
Coding change: c.5902G>A on transcript NM_022124.6 (MANE Select); coding-DNA position 5902, G replaced by A.
Protein change: p.Val1968Met; replaces valine 1968 with methionine.
Molecular consequence: missense variant.
Genome position (GRCh38, 1-based): chr10:71,789,021, G>A. VCF-style: chr10-71789021-G-A. GRCh37 (hg19) VCF-style: chr10-73548778-G-A.
Other names: short protein forms V1968M.
Identifiers: ClinVar variation 2629656 (VCV002629656.1), dbSNP rs903922058, ClinGen allele CA377149840.